The following is an entry in ClinVar:

ClinVar aggregate classification (germline): Uncertain significance. Review status: criteria provided, multiple submitters, no conflicts (2 of 4 stars). 3 submissions from 3 submitters: Uncertain significance (3). Last evaluated 2026-01-26.

Allele frequency attached by ClinVar (database versions not stated): gnomAD exomes below 0.00001; TOPMed 0.00001.

Submissions (3):

GeneDx
Classification: Uncertain significance. Last evaluated: 2026-01-26. Review status: criteria provided, single submitter. Criteria: GeneDx Variant Classification Process June 2021. Collection method: clinical testing. Allele origin: germline.
Comment: Not observed at significant frequency in large population cohorts (gnomAD); In silico analysis supports that this missense variant has a deleterious effect on protein structure/function; Has not been previously published as pathogenic or benign to our knowledge

Labcorp Genetics (formerly Invitae), Labcorp
Classification: Uncertain significance. Last evaluated: 2023-11-28. Review status: criteria provided, single submitter. Criteria: Invitae Variant Classification Sherloc (09022015). Collection method: clinical testing. Allele origin: germline.
Comment: This sequence change replaces aspartic acid, which is acidic and polar, with asparagine, which is neutral and polar, at codon 481 of the ACO2 protein (p.Asp481Asn). This variant is not present in population databases (gnomAD no frequency). This variant has not been reported in the literature in individuals affected with ACO2-related conditions. Advanced modeling of protein sequence and biophysical properties (such as structural, functional, and spatial information, amino acid conservation, physicochemical variation, residue mobility, and thermodynamic stability) performed at Invitae indicates that this missense variant is expected to disrupt ACO2 protein function with a positive predictive value of 80%. In summary, the available evidence is currently insufficient to determine the role of this variant in disease. Therefore, it has been classified as a Variant of Uncertain Significance.

Blueprint Genetics
Classification: Uncertain significance. Last evaluated: 2022-08-30. Review status: criteria provided, single submitter. Criteria: ACMG Guidelines, 2015. Collection method: clinical testing. Allele origin: germline.

NM_001098.3(ACO2):c.1441G>A (p.Asp481Asn)

Gene: ACO2 (aconitase 2; plus strand). Cytogenetic location: 22q13.2.
Variant type: single nucleotide variant.
Coding change: c.1441G>A on transcript NM_001098.3 (MANE Select); coding-DNA position 1441, G replaced by A.
Protein change: p.Asp481Asn; replaces aspartic acid 481 with asparagine.
Molecular consequence: missense variant.
Genome position (GRCh38, 1-based): chr22:41,523,900, G>A. VCF-style: chr22-41523900-G-A. GRCh37 (hg19) VCF-style: chr22-41919904-G-A.
Other names: c.1441G>A (NM_001098.2); short protein forms D481N.
Identifiers: ClinVar variation 2830019 (VCV002830019.5), dbSNP rs2066550112, ClinGen allele CA411726985.